The following is an entry in ClinVar:

ClinVar aggregate classification (germline): Uncertain significance. Review status: criteria provided, multiple submitters, no conflicts (2 of 4 stars). 2 submissions from 2 submitters: Uncertain significance (2). Last evaluated 2025-02-12.

Conditions:
Baller-Gerold syndrome (BGS). Also called: CRANIOSYNOSTOSIS WITH RADIAL DEFECTS. Identifiers: Orphanet 1225, MedGen C0265308, MONDO:0009039, OMIM 218600.
Inborn genetic diseases. Identifiers: MedGen C0950123, MeSH D030342.

Allele frequency attached by ClinVar (database versions not stated): gnomAD 0.00002; TOPMed 0.00002.
gnomAD v4.1: 5 of 1,610,644 alleles (0.00031%); highest among the groups gnomAD compares: African/African-American, 0.0067%; no homozygotes.

Submissions (2):

Labcorp Genetics (formerly Invitae), Labcorp
Classification: Uncertain significance for Baller-Gerold syndrome. Last evaluated: 2025-02-12. Review status: criteria provided, single submitter. Criteria: Invitae Variant Classification Sherloc (09022015). Collection method: clinical testing. Allele origin: germline.
Comment: This sequence change replaces glycine, which is neutral and non-polar, with cysteine, which is neutral and slightly polar, at codon 170 of the RECQL4 protein (p.Gly170Cys). This variant is not present in population databases (gnomAD no frequency). This variant has not been reported in the literature in individuals affected with RECQL4-related conditions. ClinVar contains an entry for this variant (Variation ID: 1017762). Invitae Evidence Modeling of protein sequence and biophysical properties (such as structural, functional, and spatial information, amino acid conservation, physicochemical variation, residue mobility, and thermodynamic stability) indicates that this missense variant is expected to disrupt RECQL4 protein function with a positive predictive value of 80%. In summary, the available evidence is currently insufficient to determine the role of this variant in disease. Therefore, it has been classified as a Variant of Uncertain Significance.

Ambry Genetics
Classification: Uncertain significance for Inborn genetic diseases. Last evaluated: 2024-11-21. Review status: criteria provided, single submitter. Criteria: Ambry Variant Classification Scheme 2023. Collection method: clinical testing. Allele origin: germline.
Comment: The p.G170C variant (also known as c.508G>T), located in coding exon 5 of the RECQL4 gene, results from a G to T substitution at nucleotide position 508. The glycine at codon 170 is replaced by cysteine, an amino acid with highly dissimilar properties. This amino acid position is conserved. In addition, the in silico prediction for this alteration is inconclusive. Based on the available evidence, the clinical significance of this variant remains unclear.

NM_004260.4(RECQL4):c.508G>T (p.Gly170Cys)

Gene: RECQL4 (RecQ like helicase 4; minus strand). Cytogenetic location: 8q24.3.
Variant type: single nucleotide variant.
Coding change: c.508G>T on transcript NM_004260.4 (MANE Select); coding-DNA position 508, G replaced by T.
Protein change: p.Gly170Cys; replaces glycine 170 with cysteine.
Molecular consequence: missense variant.
Genome position (GRCh38, 1-based): chr8:144,516,611, C>A on the plus strand (G>T on the coding strand, the complement: RECQL4 is on the minus strand). VCF-style: chr8-144516611-C-A. GRCh37 (hg19) VCF-style: chr8-145741995-C-A.
Other names: c.508G>T (NM_004260.3); short protein forms G170C.
Identifiers: ClinVar variation 1017762 (VCV001017762.6), dbSNP rs774750928, ClinGen allele CA4949270.
Genomic context (GRCh38, chr8:144,516,611, plus strand): 5'-AGCCAGGATCTAGGGAGCCCAGCCGCTGGCTCAGGGATGCCTGCAGATGCTGGAGCCGGC[C>A]TGGCCTTGGCTGGGGCTCAGGGAGCTGTGGAGGCTCATCACTGACTTTTTCTGCAAAGGA-3'
Protein context (NP_004251.4, residues 160-180): PQLPEPQPRP[Gly170Cys]RLQHLQASLS